The following is an entry in ClinVar:

ClinVar aggregate classification (germline): Likely pathogenic. Review status: criteria provided, multiple submitters, no conflicts (2 of 4 stars). 2 submissions from 2 submitters: Likely pathogenic (2). Last evaluated 2026-09-01.

Conditions:
Hypophosphatasia. Also called: Phosphoethanol-aminuria. Identifiers: Orphanet 436, MedGen C0020630, MeSH D007014, MONDO:0018570.

Submissions (2):

Genomenon, Inc
Classification: Likely pathogenic for Hypophosphatasia. Last evaluated: 2026-09-01. Review status: criteria provided, single submitter. Criteria: Genomenon Sequence Variant Interpretation Standards - Updated. Collection method: curation. Allele origin: germline. Affected: yes.
Comment: ALPL p.Ala498SerfsTer? (c.1491_1492del) is a frameshift variant that results in the production of an extended protein product that disrupts the C-terminal GPI anchor signal sequence. This variant has been observed in at least one proband affected with an ALPL-related disorder (PMID:38884565). It is absent or not present at a significant frequency in gnomAD. In conclusion, we classify ALPL p.Ala498SerfsTer? (c.1491_1492del) as a likely pathogenic variant.

JKU Lab, Dept of Paediatrics, Johannes Kepler University
Classification: Likely pathogenic for Hypophosphatasia. Last evaluated: 2025-04-24. Review status: criteria provided, single submitter. Criteria: ACMG Guidelines, 2015. Collection method: curation, in vitro. Allele origin: germline, not applicable. Affected: yes. Functional consequence: decreased enzyme activity.
Comment: This frameshift variant is not present in GnomAD 4.1. Splice-prediction algorithms predict no effect on splicing. In vitro functional studies showed reduced ALP activity without a dominant negative effect. This variant has been reported in the literature in individuals affected with ALPL-related conditions (PMID:38884565). The results of the functional testing and the applied ACMG criteria can be viewed at an online resource

Literature cited by the submitters: PubMed 38884565 (cited by Genomenon, Inc and JKU Lab, Dept of Paediatrics, Johannes Kepler University).

NM_000478.6(ALPL):c.1491_1492del (p.Ala498fs)

Gene: ALPL (alkaline phosphatase, biomineralization associated; plus strand). Cytogenetic location: 1p36.12.
Variant type: Microsatellite.
Coding change: c.1491_1492del on transcript NM_000478.6 (MANE Select); coding-DNA positions 1491 to 1492, 2 bases deleted (TG; older notation c.1491_1492delTG).
Protein change: p.Ala498fs; shifts the reading frame from alanine 498.
Molecular consequence: frameshift variant.
Genome position (GRCh38, 1-based): chr1:21,577,564-21,577,565, TG deleted; deleting any 2 consecutive bases within chr1:21,577,562-21,577,565 gives the same sequence; the c. name uses the placement nearest the transcript's 3' end. VCF-style (leftmost placement, unchanged base first): chr1-21577561-CTG-C. GRCh37 (hg19) VCF-style: chr1-21904054-CTG-C.
Other names: c.1326_1327del, p.Ala443fs (NM_001127501.4); c.1260_1261del, p.Ala421fs (NM_001177520.3); c.1491_1492del, p.Ala498fs (NM_001369803.2, NM_001369804.2, NM_001369805.2); short protein forms A421fs, A443fs, A498fs.
Identifiers: ClinVar variation 3897645 (VCV003897645.5).
Genomic context (GRCh38, chr1:21,577,561, plus strand): 5'-GCAGAACTACGTCCCCCACGTGATGGCGTATGCAGCCTGCATCGGGGCCAACCTCGGCCA[CTG>C]TGCTCCTGCCAGCTCGGCAGGCAGCCTTGCTGCAGGCCCCCTGCTGCTCGCGCTGGCCCT-3'